The following is an entry in ClinVar:

NM_014712.3(SETD1A):c.2715G>C (p.Glu905Asp)

Gene: SETD1A (SET domain containing 1A, histone lysine methyltransferase; plus strand). Cytogenetic location: 16p11.2.
Variant type: single nucleotide variant.
Coding change: c.2715G>C on transcript NM_014712.3 (MANE Select); coding-DNA position 2715, G replaced by C.
Protein change: p.Glu905Asp; replaces glutamic acid 905 with aspartic acid.
Molecular consequence: missense variant.
Genome position (GRCh38, 1-based): chr16:30,967,533, G>C. VCF-style: chr16-30967533-G-C. GRCh37 (hg19) VCF-style: chr16-30978854-G-C.
Other names: short protein forms E905D.
Identifiers: ClinVar variation 3898407 (VCV003898407.7).

ClinVar aggregate classification (germline): Uncertain significance (1 of 4 stars; one submission).

Submission:

CeGaT Center for Human Genetics Tuebingen
Classification: Uncertain significance. Last evaluated: 2025-04-01. Review status: criteria provided, single submitter. Criteria: CeGaT Center For Human Genetics Tuebingen Variant Classification Criteria Version 2. Collection method: clinical testing. Allele origin: germline. Affected: yes. Observed: 1 variant allele.
Comment: SETD1A: PM2